The following is an entry in ClinVar:

ClinVar aggregate classification (germline): Uncertain significance (1 of 4 stars; one submission).

Conditions:
MEGF10-related myopathy (CMYO10A). Also called: Congenital myopathy 10A, severe variant. Identifiers: Orphanet 439212, MedGen C3280679, MONDO:0013731, OMIM 614399.

Allele frequency attached by ClinVar (database versions not stated): gnomAD exomes below 0.00001.
gnomAD v4.1: 1 of 1,613,788 alleles (0.000062%); highest among the groups gnomAD compares: African/African-American, 0.0013%; no homozygotes.

Submission:

Labcorp Genetics (formerly Invitae), Labcorp
Classification: Uncertain significance for MEGF10-related myopathy. Last evaluated: 2023-10-03. Review status: criteria provided, single submitter. Criteria: Invitae Variant Classification Sherloc (09022015). Collection method: clinical testing. Allele origin: germline.
Comment: This sequence change replaces glycine, which is neutral and non-polar, with serine, which is neutral and polar, at codon 696 of the MEGF10 protein (p.Gly696Ser). This variant is present in population databases (no rsID available, gnomAD 0.007%). This variant has not been reported in the literature in individuals affected with MEGF10-related conditions. Advanced modeling of protein sequence and biophysical properties (such as structural, functional, and spatial information, amino acid conservation, physicochemical variation, residue mobility, and thermodynamic stability) performed at Invitae indicates that this missense variant is not expected to disrupt MEGF10 protein function. In summary, the available evidence is currently insufficient to determine the role of this variant in disease. Therefore, it has been classified as a Variant of Uncertain Significance.

NM_001256545.2(MEGF10):c.2086G>A (p.Gly696Ser)

Gene: MEGF10 (multiple EGF like domains 10; plus strand). Cytogenetic location: 5q23.2.
Variant type: single nucleotide variant.
Coding change: c.2086G>A on transcript NM_001256545.2 (MANE Select); coding-DNA position 2086, G replaced by A.
Protein change: p.Gly696Ser; replaces glycine 696 with serine.
Molecular consequence: missense variant.
Genome position (GRCh38, 1-based): chr5:127,435,471, G>A. VCF-style: chr5-127435471-G-A. GRCh37 (hg19) VCF-style: chr5-126771163-G-A.
Other names: c.2086G>A, p.Gly696Ser (NM_032446.3); short protein forms G696S.
Identifiers: ClinVar variation 2854542 (VCV002854542.3), dbSNP rs1430493404, ClinGen allele CA360732704.